The following is an entry in ClinVar:

ClinVar aggregate classification (germline): Likely benign (1 of 4 stars; one submission).

Conditions:
Immunodeficiency due to CD25 deficiency. Also called: CD25 DEFICIENCY; IL2RA DEFICIENCY; IMMUNODEFICIENCY 41 WITH LYMPHOPROLIFERATION AND AUTOIMMUNITY. Identifiers: Orphanet 169100, MedGen C1853392, MONDO:0011664, OMIM 606367.

Allele frequency attached by ClinVar (database versions not stated): TOPMed 0.00001; gnomAD exomes 0.00003; gnomAD 0.00004 and 0.00006; 1000 Genomes Project 0.00060; 1000 Genomes Project 30x 0.00062.
gnomAD v4.1: 26 of 684,738 alleles (0.0038%); highest among the groups gnomAD compares: Admixed American, 0.051%; no homozygotes.

Submission:

Illumina Laboratory Services, Illumina
Classification: Likely benign for Immunodeficiency due to CD25 deficiency. Last evaluated: 2018-01-12. Review status: criteria provided, single submitter. Criteria: ICSL Variant Classification Criteria 13 December 2019. Collection method: clinical testing. Allele origin: germline.
Comment: This variant was observed in the ICSL laboratory as part of a predisposition screen in an ostensibly healthy population. It had not been previously curated by ICSL or reported in the Human Gene Mutation Database (HGMD: prior to June 1st, 2018), and was therefore a candidate for classification through an automated scoring system. Utilizing variant allele frequency, disease prevalence and penetrance estimates, and inheritance mode, an automated score was calculated to assess if this variant is too frequent to cause the disease. Based on the score and internal cut-off values, a variant classified as likely benign is not then subjected to further curation. The score for this variant resulted in a classification of likely benign for this disease.

NM_000417.3(IL2RA):c.*183C>A

Gene: IL2RA (interleukin 2 receptor subunit alpha; minus strand). Cytogenetic location: 10p15.1.
Variant type: single nucleotide variant.
Coding change: c.*183C>A on transcript NM_000417.3 (MANE Select); 183 bases downstream of the stop codon, C replaced by A.
Molecular consequence: 3 prime UTR variant.
Genome position (GRCh38, 1-based): chr10:6,012,689, G>T on the plus strand (C>A on the coding strand, the complement: IL2RA is on the minus strand). VCF-style: chr10-6012689-G-T. GRCh37 (hg19) VCF-style: chr10-6054652-G-T.
Other names: c.*183C>A (NM_001308242.2, NM_001308243.2).
Identifiers: ClinVar variation 880359 (VCV000880359.4), dbSNP rs542942584, ClinGen allele CA202288675.
Genomic context (GRCh38, chr10:6,012,689, plus strand): 5'-TCAACGGCGAAATTGCTATTTAGAAGTGGGTAGCGCTCGCTCTCTGATGGGACTGAGCTG[G>T]CATAGAGACAAGGTTGCCACTGCCCCGTGTCCTGTGATGTGACTTCAGAGCTTCCAAAAC-3'